The following is an entry in ClinVar:

ClinVar aggregate classification (germline): Pathogenic (1 of 4 stars; one submission).

Conditions:
Usher syndrome type 1F (USH1F). Also called: USHER SYNDROME, TYPE IF. Identifiers: Orphanet 231169, Orphanet 886, MedGen C1865885, MONDO:0011186, OMIM 602083.

Submission:

Women's Health and Genetics/Laboratory Corporation of America, LabCorp
Classification: Pathogenic for Usher syndrome type 1F. Last evaluated: 2026-03-23. Review status: criteria provided, single submitter. Criteria: LabCorp Variant Classification Summary - May 2015. Collection method: clinical testing. Allele origin: germline.
Comment: Variant summary: The variant involves the deletion of exons 3-8 in the PCDH15 gene. A presumed nomenclature of c.(91+1_92-1)_(876+1_877-1)del has been designated for the purposes of this classification. This Copy Number Variant (CNV) is expected to alter the reading frame and predicted to result in a truncation or absence of the encoded protein due to nonsense mediated decay (NMD). Loss-of-function variants in this gene are known to be pathogenic. The variant allele was found at a frequency of 4.8e-05 in 20898 control chromosomes. To our knowledge, no occurrence of c.(91+1_92-1)_(876+1_877-1)del in individuals affected with PCDH15-related conditions and no experimental evidence demonstrating its impact on protein function have been reported. No submitters have cited clinical-significance assessments for this variant to ClinVar. Based on the evidence outlined above, the variant was classified as pathogenic.

NC_000010.10:g.(55996692_56077030)_(56287638_56423931)del

Gene: PCDH15 (protocadherin related 15; minus strand). Cytogenetic location: 10q21.1.
Variant type: Deletion.
Identifiers: ClinVar variation 4847046 (VCV004847046.1).